The following is an entry in ClinVar:

NM_005154.5(USP8):c.513G>C (p.Lys171Asn)

Gene: USP8 (ubiquitin specific peptidase 8; plus strand). Cytogenetic location: 15q21.2.
Variant type: single nucleotide variant.
Coding change: c.513G>C on transcript NM_005154.5 (MANE Select); coding-DNA position 513, G replaced by C.
Protein change: p.Lys171Asn; replaces lysine 171 with asparagine.
Molecular consequence: missense variant.
Genome position (GRCh38, 1-based): chr15:50,462,294, G>C. VCF-style: chr15-50462294-G-C. GRCh37 (hg19) VCF-style: chr15-50754491-G-C.
Other names: c.513G>C, p.Lys171Asn (NM_001128610.3); c.282G>C, p.Lys94Asn (NM_001283049.2); short protein forms K171N, K94N.
Identifiers: ClinVar variation 2725674 (VCV002725674.3), dbSNP rs572018148, ClinGen allele CA392384708.

ClinVar aggregate classification (germline): Uncertain significance (1 of 4 stars; one submission).

Conditions:
Hereditary spastic paraplegia. Also called: Familial spastic paraparesis. Identifiers: Orphanet 685, MedGen C0037773, MONDO:0019064. Disease mechanism: loss of function.

Allele frequency attached by ClinVar (database versions not stated): gnomAD exomes below 0.00001; TOPMed below 0.00001.
gnomAD v4.1: 3 of 1,601,746 alleles (0.00019%); highest among the groups gnomAD compares: Non-Finnish European, 0.00025%; no homozygotes.

Submission:

Labcorp Genetics (formerly Invitae), Labcorp
Classification: Uncertain significance for Hereditary spastic paraplegia. Last evaluated: 2022-12-07. Review status: criteria provided, single submitter. Criteria: Invitae Variant Classification Sherloc (09022015). Collection method: clinical testing. Allele origin: germline.
Comment: This sequence change replaces lysine, which is basic and polar, with asparagine, which is neutral and polar, at codon 171 of the USP8 protein (p.Lys171Asn). This variant is not present in population databases (gnomAD no frequency). This variant has not been reported in the literature in individuals affected with USP8-related conditions. Algorithms developed to predict the effect of missense changes on protein structure and function output the following: SIFT: "Tolerated"; PolyPhen-2: "Benign"; Align-GVGD: "Class C0". The asparagine amino acid residue is found in multiple mammalian species, which suggests that this missense change does not adversely affect protein function. In summary, the available evidence is currently insufficient to determine the role of this variant in disease. Therefore, it has been classified as a Variant of Uncertain Significance.